The following is an entry in ClinVar:

ClinVar aggregate classification (germline): Uncertain significance (1 of 4 stars; one submission).

Conditions:
Inborn genetic diseases. Identifiers: MedGen C0950123, MeSH D030342.

Submission:

Ambry Genetics
Classification: Uncertain significance for Inborn genetic diseases. Last evaluated: 2026-09-13. Review status: criteria provided, single submitter. Criteria: Ambry Variant Classification Scheme 2023. Collection method: clinical testing. Allele origin: germline.
Comment: The p.F1155Y variant (also known as c.3464T>A), located in coding exon 20 of the RECQL4 gene, results from a T to A substitution at nucleotide position 3464. The phenylalanine at codon 1155 is replaced by tyrosine, an amino acid with highly similar properties. This amino acid position is conserved. In addition, this alteration is predicted to be deleterious by in silico analysis. Based on the available evidence, the clinical significance of this variant remains unclear.

NM_004260.4(RECQL4):c.3464T>A (p.Phe1155Tyr)

Gene: RECQL4 (RecQ like helicase 4; minus strand). Cytogenetic location: 8q24.3.
Variant type: single nucleotide variant.
Coding change: c.3464T>A on transcript NM_004260.4 (MANE Select); coding-DNA position 3464, T replaced by A.
Protein change: p.Phe1155Tyr; replaces phenylalanine 1155 with tyrosine.
Molecular consequence: missense variant. On other transcripts: non-coding transcript variant (3).
Genome position (GRCh38, 1-based): chr8:144,511,719, A>T on the plus strand (T>A on the coding strand, the complement: RECQL4 is on the minus strand). VCF-style: chr8-144511719-A-T. GRCh37 (hg19) VCF-style: chr8-145737102-A-T.
Other names: c.3434T>A, p.Phe1145Tyr (NM_001413039.1); c.2393T>A, p.Phe798Tyr (NM_001413040.1, NM_001413021.1, NM_001413022.1 and 4 more transcripts); c.2402T>A, p.Phe801Tyr (NM_001413041.1); c.2363T>A, p.Phe788Tyr (NM_001413042.1); c.1997T>A, p.Phe666Tyr (NM_001413043.1); c.3170T>A, p.Phe1057Tyr (NM_001413017.1); c.3266T>A, p.Phe1089Tyr (NM_001413018.1); c.3539T>A, p.Phe1180Tyr (NM_001413019.1); and 9 more; short protein forms F1038Y, F1089Y, F1123Y, F666Y, F788Y, F1057Y, F1111Y, F1155Y.
Identifiers: ClinVar variation 5028124 (VCV005028124.1).